The following is an entry in ClinVar:

NM_025216.3(WNT10A):c.112A>T (p.Arg38Trp)

Gene: WNT10A (Wnt family member 10A; plus strand). Cytogenetic location: 2q35.
Variant type: single nucleotide variant.
Coding change: c.112A>T on transcript NM_025216.3 (MANE Select); coding-DNA position 112, A replaced by T.
Protein change: p.Arg38Trp; replaces arginine 38 with tryptophan.
Molecular consequence: missense variant.
Genome position (GRCh38, 1-based): chr2:218,881,107, A>T. VCF-style: chr2-218881107-A-T. GRCh37 (hg19) VCF-style: chr2-219745829-A-T.
Other names: short protein forms R38W.
Identifiers: ClinVar variation 2630137 (VCV002630137.1), dbSNP rs762998852, ClinGen allele CA2113824.

ClinVar aggregate classification (germline): Uncertain significance (1 of 4 stars; one submission).

Conditions:
WNT10A-related disorder. Also called: WNT10A-related condition; WNT10A-related disorders.

Allele frequency attached by ClinVar (database versions not stated): ExAC 0.00005.
gnomAD v4.1: 5 of 1,593,126 alleles (0.00031%); highest among the groups gnomAD compares: South Asian, 0.0023%; no homozygotes.

Submission:

PreventionGenetics, part of Exact Sciences
Classification: Uncertain significance for WNT10A-related condition. Last evaluated: 2023-04-06. Review status: criteria provided, single submitter. Criteria: ACMG Guidelines, 2015. Collection method: clinical testing. Allele origin: germline.
Comment: The WNT10A c.112A>T variant is predicted to result in the amino acid substitution p.Arg38Trp. To our knowledge, this variant has not been reported in the literature. This variant is reported in 0.0035% of alleles in individuals of European (Non-Finnish) descent in gnomAD. At this time, the clinical significance of this variant is uncertain due to the absence of conclusive functional and genetic evidence.